The following is an entry in ClinVar:

NM_000090.4(COL3A1):c.4033C>A (p.Leu1345Ile)

Gene: COL3A1 (collagen type III alpha 1 chain; plus strand). Cytogenetic location: 2q32.2.
Variant type: single nucleotide variant.
Coding change: c.4033C>A on transcript NM_000090.4 (MANE Select); coding-DNA position 4033, C replaced by A.
Protein change: p.Leu1345Ile; replaces leucine 1345 with isoleucine.
Molecular consequence: missense variant.
Genome position (GRCh38, 1-based): chr2:189,010,669, C>A. VCF-style: chr2-189010669-C-A. GRCh37 (hg19) VCF-style: chr2-189875395-C-A.
Other names: short protein forms L1345I.
Identifiers: ClinVar variation 3634110 (VCV003634110.2).

ClinVar aggregate classification (germline): Uncertain significance (1 of 4 stars; one submission).

Conditions:
Ehlers-Danlos syndrome, type 4 (EDSVASC). Also called: Ehlers-Danlos syndrome vascular type; Ehlers Danlos syndrome, ecchymotic type; Ehlers Danlos syndrome, arterial type; Ehlers Danlos syndrome, Sack-Barabas type; Ehlers-Danlos Syndrome Type IV. Identifiers: Orphanet 286, MedGen C0268338, MONDO:0017314, OMIM 130050.

Submission:

Labcorp Genetics (formerly Invitae), Labcorp
Classification: Uncertain significance for Ehlers-Danlos syndrome, type 4. Last evaluated: 2024-12-27. Review status: criteria provided, single submitter. Criteria: Invitae Variant Classification Sherloc (09022015). Collection method: clinical testing. Allele origin: germline.
Comment: This sequence change replaces leucine, which is neutral and non-polar, with isoleucine, which is neutral and non-polar, at codon 1345 of the COL3A1 protein (p.Leu1345Ile). This variant is not present in population databases (gnomAD no frequency). This variant has not been reported in the literature in individuals affected with COL3A1-related conditions. Invitae Evidence Modeling of protein sequence and biophysical properties (such as structural, functional, and spatial information, amino acid conservation, physicochemical variation, residue mobility, and thermodynamic stability) indicates that this missense variant is not expected to disrupt COL3A1 protein function with a negative predictive value of 95%. In summary, the available evidence is currently insufficient to determine the role of this variant in disease. Therefore, it has been classified as a Variant of Uncertain Significance.